The following is an entry in ClinVar:

NM_000179.3(MSH6):c.1413T>A (p.Asp471Glu)

Gene: MSH6 (mutS homolog 6; plus strand). Cytogenetic location: 2p16.3.
Variant type: single nucleotide variant.
Coding change: c.1413T>A on transcript NM_000179.3 (MANE Select); coding-DNA position 1413, T replaced by A.
Protein change: p.Asp471Glu; replaces aspartic acid 471 with glutamic acid.
Molecular consequence: missense variant.
Genome position (GRCh38, 1-based): chr2:47,799,396, T>A. VCF-style: chr2-47799396-T-A. GRCh37 (hg19) VCF-style: chr2-48026535-T-A.
Other names: c.1023T>A, p.Asp341Glu (NM_001281492.2); c.507T>A, p.Asp169Glu (NM_001281493.2, NM_001281494.2, NM_001406811.1 and 6 more transcripts); c.1509T>A, p.Asp503Glu (NM_001406795.1, NM_001406802.1); c.1413T>A, p.Asp471Glu (NM_001406796.1, NM_001406798.1, NM_001406800.1 and 4 more transcripts); c.1116T>A, p.Asp372Glu (NM_001406797.1, NM_001406801.1, NM_001406805.1 and 10 more transcripts); c.888T>A, p.Asp296Glu (NM_001406799.1, NM_001406806.1, NM_001406807.1); c.1335T>A, p.Asp445Glu (NM_001406804.1); c.1419T>A, p.Asp473Glu (NM_001406813.1); and 1 more; short protein forms D169E, D296E, D372E, D415E, D471E, D503E, D341E, D445E.
Identifiers: ClinVar variation 1772090 (VCV001772090.7), dbSNP rs772123097, ClinGen allele CA067598.

ClinVar aggregate classification (germline): Conflicting classifications of pathogenicity. Review status: criteria provided, conflicting classifications (1 of 4 stars). 2 submissions from 2 submitters: Uncertain significance (1); Benign (1). Last evaluated 2022-11-01.

Conditions:
Hereditary cancer-predisposing syndrome. Also called: Hereditary Cancer Syndrome; Hereditary neoplastic syndrome; Neoplastic Syndromes, Hereditary; Tumor predisposition. Identifiers: Orphanet 140162, MedGen C0027672, MeSH D009386, MONDO:0015356.
Hereditary nonpolyposis colorectal neoplasms. Identifiers: MedGen C0009405, MeSH D003123.

Allele frequency attached by ClinVar (database versions not stated): gnomAD exomes below 0.00001; ExAC 0.00001.
gnomAD v4.1: 2 of 1,614,130 alleles (0.00012%); highest among the groups gnomAD compares: African/African-American, 0.0013%; no homozygotes.

Submissions (2):

Labcorp Genetics (formerly Invitae), Labcorp
Classification: Benign for Hereditary nonpolyposis colorectal neoplasms. Last evaluated: 2022-11-01. Review status: criteria provided, single submitter. Criteria: Invitae Variant Classification Sherloc (09022015). Collection method: clinical testing. Allele origin: germline.

Ambry Genetics
Classification: Uncertain significance for Hereditary cancer-predisposing syndrome. Last evaluated: 2021-03-23. Review status: criteria provided, single submitter. Criteria: Ambry Variant Classification Scheme 2023. Collection method: clinical testing. Allele origin: germline.
Comment: The p.D471E variant (also known as c.1413T>A), located in coding exon 4 of the MSH6 gene, results from a T to A substitution at nucleotide position 1413. The aspartic acid at codon 471 is replaced by glutamic acid, an amino acid with highly similar properties. This amino acid position is well conserved in available vertebrate species. In addition, the in silico prediction for this alteration is inconclusive. Since supporting evidence is limited at this time, the clinical significance of this alteration remains unclear.